The following is an entry in ClinVar:

NM_032043.3(BRIP1):c.919-16G>A

Gene: BRIP1 (BRCA1 interacting DNA helicase 1; minus strand). Cytogenetic location: 17q23.2.
Variant type: single nucleotide variant.
Coding change: c.919-16G>A on transcript NM_032043.3 (MANE Select); 16 bases into the intron before coding-DNA position 919, G replaced by A.
Molecular consequence: intron variant.
Genome position (GRCh38, 1-based): chr17:61,801,490, C>T on the plus strand (G>A on the coding strand, the complement: BRIP1 is on the minus strand). VCF-style: chr17-61801490-C-T. GRCh37 (hg19) VCF-style: chr17-59878851-C-T.
Identifiers: ClinVar variation 2934081 (VCV002934081.4), dbSNP rs2145343504, ClinGen allele CA2733898208.

ClinVar aggregate classification (germline): Likely benign. Review status: criteria provided, multiple submitters, no conflicts (2 of 4 stars). 2 submissions from 2 submitters: Likely benign (2). Last evaluated 2024-08-22.

Conditions:
Fanconi anemia complementation group J. Also called: BRIP1-Related Fanconi Anemia. Identifiers: Orphanet 84, MedGen C1836860, MONDO:0012187, OMIM 609054.
Familial cancer of breast. Also called: BREAST CANCER, FAMILIAL; Hereditary breast cancer; hereditary breast carcinoma. Identifiers: Orphanet 227535, MedGen C0346153, MONDO:0016419, OMIM 114480. Disease mechanism: loss of function.

Submissions (2):

Myriad Genetics, Inc.
Classification: Likely benign for Familial cancer of breast. Last evaluated: 2024-08-22. Review status: criteria provided, single submitter. Criteria: Myriad Autosomal Dominant, Autosomal Recessive and X-Linked Classification Criteria (2023). Collection method: clinical testing. Allele origin: unknown.
Comment: This variant is considered likely benign. This variant is intronic and is not expected to impact mRNA splicing.

Labcorp Genetics (formerly Invitae), Labcorp
Classification: Likely benign for Familial cancer of breast; Fanconi anemia complementation group J. Last evaluated: 2023-01-08. Review status: criteria provided, single submitter. Criteria: Invitae Variant Classification Sherloc (09022015). Collection method: clinical testing. Allele origin: germline.